The following is an entry in ClinVar:

NM_014698.3(TMEM63A):c.2257G>A (p.Val753Met)

Gene: TMEM63A (transmembrane protein 63A; minus strand). Cytogenetic location: 1q42.12.
Variant type: single nucleotide variant.
Coding change: c.2257G>A on transcript NM_014698.3 (MANE Select); coding-DNA position 2257, G replaced by A.
Protein change: p.Val753Met; replaces valine 753 with methionine.
Molecular consequence: missense variant.
Genome position (GRCh38, 1-based): chr1:225,847,207, C>T on the plus strand (G>A on the coding strand, the complement: TMEM63A is on the minus strand). VCF-style: chr1-225847207-C-T. GRCh37 (hg19) VCF-style: chr1-226034908-C-T.
Other names: short protein forms V753M.
Identifiers: ClinVar variation 3234941 (VCV003234941.1), dbSNP rs557116423, ClinGen allele CA1418830.

ClinVar aggregate classification (germline): Uncertain significance (1 of 4 stars; one submission).

Conditions:
Leukodystrophy, hypomyelinating, 19, transient infantile. Identifiers: MedGen C5231463, MONDO:0032871, OMIM 618688.

Allele frequency attached by ClinVar (database versions not stated): TOPMed 0.00003; gnomAD 0.00004; ExAC 0.00011; 1000 Genomes Project 0.00020; 1000 Genomes Project 30x 0.00031.
gnomAD v4.1: 70 of 1,612,890 alleles (0.0043%); highest among the groups gnomAD compares: South Asian, 0.053%; no homozygotes.

Submission:

Neuberg Centre For Genomic Medicine, NCGM
Classification: Uncertain significance for Leukodystrophy, hypomyelinating, 19, transient infantile. Review status: criteria provided, single submitter. Criteria: ACMG Guidelines, 2015. Collection method: clinical testing. Allele origin: germline. Inheritance: Autosomal dominant inheritance. Affected: yes.
Comment: The missense c.2257G>A p.Val753Met variant in TMEM63A gene has not been reported previously as a pathogenic variant nor as a benign variant, to our knowledge. The p.Val753Met variant is reported with an allele frequency of 0.009% [17/30594 in South Asian continental population] in the gnomAD exomes database. TMEM63A is associated disorder may resolve in individuals over time Yan et al. 2019, which could explain the high minor-allele frequency for this variant. This variant has not been reported to the ClinVar database. The amino acid change p.Val753Met in TMEM63A is predicted as conserved by GERP++ and PhyloP across 100 vertebrates. The amino acid Val at position 753 is changed to a Met changing protein sequence and it might alter its composition and physico-chemical properties. For these reasons, this variant has been classified as a Variant of Uncertain Significance VUS.